The following is an entry in ClinVar:

NM_004656.4(BAP1):c.37+3G>A

Gene: BAP1 (BRCA1 associated deubiquitinase 1; minus strand). Cytogenetic location: 3p21.1.
Variant type: single nucleotide variant.
Coding change: c.37+3G>A on transcript NM_004656.4 (MANE Select); 3 bases into the intron after coding-DNA position 37, G replaced by A.
Molecular consequence: intron variant.
Genome position (GRCh38, 1-based): chr3:52,409,839, C>T on the plus strand (G>A on the coding strand, the complement: BAP1 is on the minus strand). VCF-style: chr3-52409839-C-T. GRCh37 (hg19) VCF-style: chr3-52443855-C-T.
Identifiers: ClinVar variation 472698 (VCV000472698.13), dbSNP rs373910684, ClinGen allele CA2437259.

ClinVar aggregate classification (germline): Conflicting classifications of pathogenicity. Review status: criteria provided, conflicting classifications (1 of 4 stars). 4 submissions from 4 submitters: Uncertain significance (2); Likely benign (2). Last evaluated 2026-05-15.

Conditions:
Hereditary cancer-predisposing syndrome. Also called: Tumor predisposition; Hereditary neoplastic syndrome; Neoplastic Syndromes, Hereditary; Hereditary Cancer Syndrome. Identifiers: Orphanet 140162, MedGen C0027672, MeSH D009386, MONDO:0015356.
BAP1-related tumor predisposition syndrome (TPDS1). Also called: Tumor susceptibility linked to germline BAP1 mutations; COMMON Syndrome; TUMOR PREDISPOSITION SYNDROME 1; BAP1 tumor predisposition syndrome. Identifiers: Orphanet 289539, MedGen C3280492, MONDO:0013692, OMIM 614327.

Allele frequency attached by ClinVar (database versions not stated): gnomAD exomes below 0.00001; TOPMed 0.00002; ESP Exome Variant Server 0.00008; ExAC 0.00001.
gnomAD v4.1: 2 of 1,612,174 alleles (0.00012%); highest among the groups gnomAD compares: South Asian, 0.0011%; no homozygotes.

Submissions (4):

Ambry Genetics
Classification: Likely benign for Hereditary cancer-predisposing syndrome. Last evaluated: 2026-05-15. Review status: criteria provided, single submitter. Criteria: Ambry Variant Classification Scheme 2023. Collection method: clinical testing. Allele origin: germline.

Labcorp Genetics (formerly Invitae), Labcorp
Classification: Uncertain significance for BAP1-related tumor predisposition syndrome. Last evaluated: 2025-10-21. Review status: criteria provided, single submitter. Criteria: Invitae Variant Classification Sherloc (09022015). Collection method: clinical testing. Allele origin: germline.
Comment: This sequence change falls in intron 1 of the BAP1 gene. It does not directly change the encoded amino acid sequence of the BAP1 protein. It affects a nucleotide within the consensus splice site. The frequency data for this variant in the population databases is considered unreliable, as metrics indicate poor data quality at this position in the gnomAD database. This variant has not been reported in the literature in individuals affected with BAP1-related conditions. ClinVar contains an entry for this variant (Variation ID: 472698). Variants that disrupt the consensus splice site are a relatively common cause of aberrant splicing (PMID: 17576681, 9536098). RNA analysis provides insufficient evidence to determine the effect of this variant on BAP1 splicing (internal data). In summary, the available evidence is currently insufficient to determine the role of this variant in disease. Therefore, it has been classified as a Variant of Uncertain Significance.

Myriad Genetics, Inc.
Classification: Likely benign for BAP1-related tumor predisposition syndrome. Last evaluated: 2024-07-11. Review status: criteria provided, single submitter. Criteria: Myriad Autosomal Dominant, Autosomal Recessive and X-Linked Classification Criteria (2023). Collection method: clinical testing. Allele origin: unknown.
Comment: This variant is considered likely benign. This variant is intronic and is not expected to impact mRNA splicing.

Color Diagnostics, LLC DBA Color Health
Classification: Uncertain significance for Hereditary cancer-predisposing syndrome. Last evaluated: 2021-04-13. Review status: criteria provided, single submitter. Criteria: ACMG Guidelines, 2015. Collection method: clinical testing. Allele origin: germline.
Comment: This variant causes a G to A nucleotide substitution at the +3 position of intron 1 of the BAP1 gene. To our knowledge, functional studies have not been reported for this variant. This variant has not been reported in individuals affected with hereditary cancer in the literature. This variant has been identified in 1/247140 chromosomes in the general population by the Genome Aggregation Database (gnomAD). The available evidence is insufficient to determine the role of this variant in disease conclusively. Therefore, this variant is classified as a Variant of Uncertain Significance.

Literature cited by the submitters: PubMed 17576681 (cited by Labcorp Genetics (formerly Invitae), Labcorp); PubMed 9536098 (cited by Labcorp Genetics (formerly Invitae), Labcorp).